The following is an entry in ClinVar:

NM_006767.4(LZTR1):c.1571T>A (p.Leu524His)

Gene: LZTR1 (leucine zipper like post translational regulator 1; plus strand). Cytogenetic location: 22q11.21.
Variant type: single nucleotide variant.
Coding change: c.1571T>A on transcript NM_006767.4 (MANE Select); coding-DNA position 1571, T replaced by A.
Protein change: p.Leu524His; replaces leucine 524 with histidine.
Molecular consequence: missense variant.
Genome position (GRCh38, 1-based): chr22:20,994,225, T>A. VCF-style: chr22-20994225-T-A. GRCh37 (hg19) VCF-style: chr22-21348514-T-A.
Other names: short protein forms L524H.
Identifiers: ClinVar variation 3238101 (VCV003238101.2), dbSNP rs1198204613.

ClinVar aggregate classification (germline): Uncertain significance (1 of 4 stars; one submission).

Conditions:
Hereditary cancer-predisposing syndrome. Also called: Neoplastic Syndromes, Hereditary; Tumor predisposition; Hereditary neoplastic syndrome; Hereditary Cancer Syndrome. Identifiers: Orphanet 140162, MedGen C0027672, MeSH D009386, MONDO:0015356.
Cardiovascular phenotype. Identifiers: MedGen CN230736.

Submission:

Ambry Genetics
Classification: Uncertain significance for Cardiovascular phenotype; Hereditary cancer-predisposing syndrome. Last evaluated: 2025-10-21. Review status: criteria provided, single submitter. Criteria: Ambry Variant Classification Scheme 2023. Collection method: clinical testing. Allele origin: germline.
Comment: The p.L524H variant (also known as c.1571T>A), located in coding exon 14 of the LZTR1 gene, results from a T to A substitution at nucleotide position 1571. The leucine at codon 524 is replaced by histidine, an amino acid with similar properties. This amino acid position is conserved. In addition, this alteration is predicted to be deleterious by in silico analysis. Based on the available evidence, the clinical significance of this variant remains unclear.